The following is an entry in ClinVar:

ClinVar aggregate classification (germline): Likely benign. Review status: criteria provided, multiple submitters, no conflicts (2 of 4 stars). 4 submissions from 4 submitters: Likely benign (4). Last evaluated 2025-10-27.

Conditions:
Cardiovascular phenotype. Identifiers: MedGen CN230736.
Cardiomyopathy (CMYO). Also called: Cardiomyopathies. Identifiers: Orphanet 167848, MedGen C0878544, MONDO:0004994, HP:0001638. Inheritance: Various modes of inheritance.
Catecholaminergic polymorphic ventricular tachycardia (CVPT). Also called: Catecholamine-induced polymorphic ventricular tachycardia. Identifiers: Orphanet 3286, MedGen C5574922, MONDO:0017990.
Catecholaminergic polymorphic ventricular tachycardia 1. Also called: VENTRICULAR TACHYCARDIA, CATECHOLAMINERGIC POLYMORPHIC, 1, WITH OR WITHOUT ATRIAL DYSFUNCTION AND/OR DILATED CARDIOMYOPATHY; RYR2-Related Catecholaminergic Polymorphic Ventricular Tachycardia; VENTRICULAR TACHYCARDIA, STRESS-INDUCED POLYMORPHIC 1. Identifiers: Orphanet 3286, MedGen C1631597, MONDO:0011484, OMIM 604772.

Allele frequency attached by ClinVar (database versions not stated): gnomAD exomes 0.00001; TOPMed 0.00001.
gnomAD v4.1: 8 of 1,613,468 alleles (0.0005%); highest among the groups gnomAD compares: Non-Finnish European, 0.00068%; no homozygotes.

Submissions (4):

Ambry Genetics
Classification: Likely benign for Cardiovascular phenotype. Last evaluated: 2025-10-27. Review status: criteria provided, single submitter. Criteria: Ambry Variant Classification Scheme 2023. Collection method: clinical testing. Allele origin: germline.

Labcorp Genetics (formerly Invitae), Labcorp
Classification: Likely benign for Catecholaminergic polymorphic ventricular tachycardia 1. Last evaluated: 2025-03-20. Review status: criteria provided, single submitter. Criteria: Invitae Variant Classification Sherloc (09022015). Collection method: clinical testing. Allele origin: germline.

All of Us Research Program, National Institutes of Health
Classification: Likely benign for Catecholaminergic polymorphic ventricular tachycardia. Last evaluated: 2023-04-03. Review status: criteria provided, single submitter. Criteria: ACMG Guidelines, 2015. Collection method: clinical testing. Allele origin: germline. Inheritance: Autosomal dominant inheritance. Observed: 2 variant alleles, 2 heterozygotes.
Comment: This study involves interpretation of variants in research participants for the purpose of population health screening. Participant phenotype was not available at the time of variant classification. Additional details can be found in publication PMID: 35346344, PMCID: PMC8962531

Color Diagnostics, LLC DBA Color Health
Classification: Likely benign for Cardiomyopathy. Last evaluated: 2020-12-02. Review status: criteria provided, single submitter. Criteria: ACMG Guidelines, 2015. Collection method: clinical testing. Allele origin: germline.

NM_001035.3(RYR2):c.1431C>T (p.Asn477=)

Gene: RYR2 (ryanodine receptor 2; plus strand). Cytogenetic location: 1q43.
Variant type: single nucleotide variant.
Coding change: c.1431C>T on transcript NM_001035.3 (MANE Select); coding-DNA position 1431, C replaced by T.
Protein change: p.Asn477=; no amino-acid change (asparagine 477 retained).
Molecular consequence: synonymous variant.
Genome position (GRCh38, 1-based): chr1:237,454,529, C>T. VCF-style: chr1-237454529-C-T. GRCh37 (hg19) VCF-style: chr1-237617829-C-T.
Other names: c.1431C>T (NM_001035.2).
Identifiers: ClinVar variation 1123961 (VCV001123961.14), dbSNP rs1225809471, ClinGen allele CA067783.
Genomic context (GRCh38, chr1:237,454,529, plus strand): 5'-GGATCTCATTGGCTACTTCCACCCCCCAGATGAGCATTTAGAGCATGAAGACAAACAGAA[C>T]AGACTACGAGCCCTGAAGAATCGGCAAAATCTCTTCCAGGAAGAGGTCCGTTTCTATCAA-3'
Protein context (NP_001026.2, residues 467-487): DEHLEHEDKQ[Asn477=]RLRALKNRQN